The following is an entry in ClinVar:

ClinVar aggregate classification (germline): Likely benign (1 of 4 stars; one submission).

Submission:

CeGaT Center for Human Genetics Tuebingen
Classification: Likely benign. Last evaluated: 2026-01-01. Review status: criteria provided, single submitter. Criteria: CeGaT Center For Human Genetics Tuebingen Variant Classification Criteria Version 2. Collection method: clinical testing. Allele origin: germline. Affected: yes. Observed: 1 variant allele.
Comment: ZNF117: BP4, BP7

NM_015852.5(ZNF117):c.1020A>G (p.Lys340=)

Genes: ERV3-1-ZNF117 (ERV3-1-ZNF117 readthrough; minus strand), ZNF117 (zinc finger protein 117; minus strand). Cytogenetic location: 7q11.21.
Variant type: single nucleotide variant.
Coding change: c.1020A>G on transcript NM_015852.5 (MANE Select); coding-DNA position 1020, A replaced by G.
Protein change: p.Lys340=; no amino-acid change (lysine 340 retained).
Molecular consequence: synonymous variant.
Genome position (GRCh38, 1-based): chr7:64,978,551, T>C on the plus strand (A>G on the coding strand, the complement: ZNF117 is on the minus strand). VCF-style: chr7-64978551-T-C. GRCh37 (hg19) VCF-style: chr7-64438929-T-C.
Other names: c.1020A>G, p.Lys340= (NM_001348050.2).
Identifiers: ClinVar variation 4821353 (VCV004821353.4).